The following is an entry in ClinVar:

NM_000545.8(HNF1A):c.462G>T (p.Met154Ile)

Gene: HNF1A (HNF1 homeobox A; plus strand). Cytogenetic location: 12q24.31.
Variant type: single nucleotide variant.
Coding change: c.462G>T on transcript NM_000545.8 (MANE Select); coding-DNA position 462, G replaced by T.
Protein change: p.Met154Ile; replaces methionine 154 with isoleucine.
Molecular consequence: missense variant.
Genome position (GRCh38, 1-based): chr12:120,988,968, G>T. VCF-style: chr12-120988968-G-T. GRCh37 (hg19) VCF-style: chr12-121426771-G-T.
Other names: c.462G>T, p.Met154Ile (NM_001306179.2, NM_001406915.1); short protein forms M154I.
Identifiers: ClinVar variation 2704055 (VCV002704055.3), dbSNP rs1341848370, ClinGen allele CA386960255.

ClinVar aggregate classification (germline): Uncertain significance (1 of 4 stars; one submission).

Submission:

Labcorp Genetics (formerly Invitae), Labcorp
Classification: Uncertain significance. Last evaluated: 2023-12-19. Review status: criteria provided, single submitter. Criteria: Invitae Variant Classification Sherloc (09022015). Collection method: clinical testing. Allele origin: germline.
Comment: This sequence change replaces methionine, which is neutral and non-polar, with isoleucine, which is neutral and non-polar, at codon 154 of the HNF1A protein (p.Met154Ile). This variant is present in population databases (no rsID available, gnomAD 0.006%). This missense change has been observed in individuals with maturity-onset diabetes of the young (PMID: 32017842; Invitae). Advanced modeling of protein sequence and biophysical properties (such as structural, functional, and spatial information, amino acid conservation, physicochemical variation, residue mobility, and thermodynamic stability) has been performed at Invitae for this missense variant, however the output from this modeling did not meet the statistical confidence thresholds required to predict the impact of this variant on HNF1A protein function. Experimental studies have shown that this missense change affects HNF1A function (PMID: 32017842). This variant disrupts the p.Met154 amino acid residue in HNF1A. Other variant(s) that disrupt this residue have been observed in individuals with HNF1A-related conditions (PMID: 27083284, 32017842), which suggests that this may be a clinically significant amino acid residue. In summary, the available evidence is currently insufficient to determine the role of this variant in disease. Therefore, it has been classified as a Variant of Uncertain Significance.

Literature cited by the submitters: PubMed 32017842; PubMed 27083284.